The following is an entry in ClinVar:

ClinVar aggregate classification (germline): Benign. Review status: criteria provided, multiple submitters, no conflicts (2 of 4 stars). 3 submissions from 3 submitters: Benign (3). Last evaluated 2023-11-12.

Allele frequency attached by ClinVar (database versions not stated): ESP Exome Variant Server 0.07313; gnomAD 0.10986 and 0.11675; TOPMed 0.12456; gnomAD exomes 0.15328 and 0.11870; 1000 Genomes Project 0.19249; 1000 Genomes Project 30x 0.19254; ExAC 0.23821.
gnomAD v4.1: 189,177 of 1,587,796 alleles (12%); highest among the groups gnomAD compares: East Asian, 36%; 14,046 homozygotes.

Submissions (3):

Unidad de Genómica Garrahan, Hospital de Pediatría Garrahan
Classification: Benign. Last evaluated: 2023-11-12. Review status: criteria provided, single submitter. Criteria: ACMG Guidelines, 2015. Collection method: clinical testing. Allele origin: germline. Affected: no. Observed: 40 variant alleles.
Comment: This variant is classified as Benign based on local population frequency. This variant was detected in 42% of patients studied by a panel of primary immunodeficiencies. Number of patients: 40. Only high quality variants are reported.

GeneDx
Classification: Benign. Last evaluated: 2018-06-16. Review status: criteria provided, single submitter. Criteria: GeneDx Variant Classification (06012015). Collection method: clinical testing. Allele origin: germline. Affected: yes.
Comment: This variant is considered likely benign or benign based on one or more of the following criteria: it is a conservative change, it occurs at a poorly conserved position in the protein, it is predicted to be benign by multiple in silico algorithms, and/or has population frequency not consistent with disease.

Breakthrough Genomics
Classification: Benign. Review status: criteria provided, single submitter. Criteria: ACMG Guidelines, 2015. Collection method: not provided. Allele origin: germline. Inheritance: Autosomal recessive inheritance. Affected: yes.

NM_203447.3(DOCK8):c.-173A>G

Genes: DOCK8 (dedicator of cytokinesis 8; plus strand), DOCK8-AS1 (DOCK8 antisense RNA 1; minus strand), LOC130001435 (ATAC-STARR-seq lymphoblastoid silent region 19720; plus strand). Cytogenetic location: 9p24.3.
Variant type: single nucleotide variant.
Coding change: c.-173A>G on transcript NM_203447.3; 173 bases upstream of the start codon, A replaced by G.
Molecular consequence: non-coding transcript variant (on NR_160804.1).
Genome position (GRCh38, 1-based): chr9:214,804, A>G. VCF-style: chr9-214804-A-G. GRCh37 (hg19) VCF-style: chr9-214804-A-G.
Identifiers: ClinVar variation 674418 (VCV000674418.6), dbSNP rs76707254, ClinGen allele CA4956833.